The following is an entry in ClinVar:

NM_032447.5(FBN3):c.1466A>T (p.Asp489Val)

Gene: FBN3 (fibrillin 3; minus strand). Cytogenetic location: 19p13.2.
Variant type: single nucleotide variant.
Coding change: c.1466A>T on transcript NM_032447.5 (MANE Select); coding-DNA position 1466, A replaced by T.
Protein change: p.Asp489Val; replaces aspartic acid 489 with valine.
Molecular consequence: missense variant.
Genome position (GRCh38, 1-based): chr19:8,136,086, T>A on the plus strand (A>T on the coding strand, the complement: FBN3 is on the minus strand). VCF-style: chr19-8136086-T-A. GRCh37 (hg19) VCF-style: chr19-8200970-T-A.
Other names: c.1466A>T (NM_032447.3); c.1466A>T, p.Asp489Val (NM_001321431.2); short protein forms D489V.
Identifiers: ClinVar variation 2971033 (VCV002971033.4), dbSNP rs1393503814, ClinGen allele CA403708813.

ClinVar aggregate classification (germline): Uncertain significance. Review status: criteria provided, multiple submitters, no conflicts (2 of 4 stars). 2 submissions from 2 submitters: Uncertain significance (2). Last evaluated 2025-09-29.

Allele frequency attached by ClinVar (database versions not stated): gnomAD 0.00001; gnomAD exomes 0.00001; TOPMed 0.00001.
gnomAD v4.1: 6 of 1,613,774 alleles (0.00037%); highest among the groups gnomAD compares: Admixed American, 0.01%; no homozygotes.

Submissions (2):

Labcorp Genetics (formerly Invitae), Labcorp
Classification: Uncertain significance. Last evaluated: 2025-09-29. Review status: criteria provided, single submitter. Criteria: Invitae Variant Classification Sherloc (09022015). Collection method: clinical testing. Allele origin: germline.
Comment: This sequence change replaces aspartic acid, which is acidic and polar, with valine, which is neutral and non-polar, at codon 489 of the FBN3 protein (p.Asp489Val). This variant is present in population databases (no rsID available, gnomAD 0.009%). This variant has not been reported in the literature in individuals affected with FBN3-related conditions. ClinVar contains an entry for this variant (Variation ID: 2971033). An algorithm developed to predict the effect of missense changes on protein structure and function (PolyPhen-2) suggests that this variant is likely to be disruptive. In summary, the available evidence is currently insufficient to determine the role of this variant in disease. Therefore, it has been classified as a Variant of Uncertain Significance.

Ambry Genetics
Classification: Uncertain significance. Last evaluated: 2024-09-26. Review status: criteria provided, single submitter. Criteria: Ambry Variant Classification Scheme 2023. Collection method: clinical testing. Allele origin: germline.